The following is an entry in ClinVar:

NM_020778.5(ALPK3):c.126C>A (p.Ser42Arg)

Gene: ALPK3 (alpha kinase 3; plus strand). Cytogenetic location: 15q25.3.
Variant type: single nucleotide variant.
Coding change: c.126C>A on transcript NM_020778.5 (MANE Select); coding-DNA position 126, C replaced by A.
Protein change: p.Ser42Arg; replaces serine 42 with arginine.
Molecular consequence: missense variant.
Genome position (GRCh38, 1-based): chr15:84,817,578, C>A. VCF-style: chr15-84817578-C-A. GRCh37 (hg19) VCF-style: chr15-85360809-C-A.
Other names: short protein forms S42R.
Identifiers: ClinVar variation 1313833 (VCV001313833.9), dbSNP rs909121019, ClinGen allele CA393369573.

ClinVar aggregate classification (germline): Uncertain significance. Review status: criteria provided, multiple submitters, no conflicts (2 of 4 stars). 3 submissions from 3 submitters: Uncertain significance (3). Last evaluated 2026-02-25.

Conditions:
Cardiovascular phenotype. Identifiers: MedGen CN230736.

gnomAD v4.1: 9 of 1,501,844 alleles (0.0006%); highest among the groups gnomAD compares: Non-Finnish European, 0.0008%; no homozygotes.

Submissions (3):

Ambry Genetics
Classification: Uncertain significance for Cardiovascular phenotype. Last evaluated: 2026-02-25. Review status: criteria provided, single submitter. Criteria: Ambry Variant Classification Scheme 2023. Collection method: clinical testing. Allele origin: germline.

Labcorp Genetics (formerly Invitae), Labcorp
Classification: Uncertain significance. Last evaluated: 2024-03-13. Review status: criteria provided, single submitter. Criteria: Invitae Variant Classification Sherloc (09022015). Collection method: clinical testing. Allele origin: germline.
Comment: This sequence change replaces serine, which is neutral and polar, with arginine, which is basic and polar, at codon 244 of the ALPK3 protein (p.Ser244Arg). This variant is present in population databases (no rsID available, gnomAD 0.002%). This variant has not been reported in the literature in individuals affected with ALPK3-related conditions. ClinVar contains an entry for this variant (Variation ID: 1313833). An algorithm developed to predict the effect of missense changes on protein structure and function (PolyPhen-2) suggests that this variant is likely to be disruptive. In summary, the available evidence is currently insufficient to determine the role of this variant in disease. Therefore, it has been classified as a Variant of Uncertain Significance.

GeneDx
Classification: Uncertain significance. Last evaluated: 2021-01-04. Review status: criteria provided, single submitter. Criteria: GeneDx Variant Classification Process June 2021. Collection method: clinical testing. Allele origin: germline. Affected: yes.
Comment: Not observed at a significant frequency in large population cohorts (Lek et al., 2016); In silico analysis supports that this missense variant does not alter protein structure/function; Has not been previously published as pathogenic or benign to our knowledge